The following is an entry in ClinVar:

NM_022168.4(IFIH1):c.453+1G>A

Gene: IFIH1 (interferon induced with helicase C domain 1; minus strand). Cytogenetic location: 2q24.2.
Variant type: single nucleotide variant.
Coding change: c.453+1G>A on transcript NM_022168.4 (MANE Select); the canonical splice donor site of the intron after coding-DNA position 453, G replaced by A.
Molecular consequence: splice donor variant.
Genome position (GRCh38, 1-based): chr2:162,317,854, C>T on the plus strand (G>A on the coding strand, the complement: IFIH1 is on the minus strand). VCF-style: chr2-162317854-C-T. GRCh37 (hg19) VCF-style: chr2-163174364-C-T.
Identifiers: ClinVar variation 1516067 (VCV001516067.9), dbSNP rs967571395, ClinGen allele CA59693876.
Genomic context (GRCh38, chr2:162,317,854, plus strand): 5'-CAAGGAAGCCTGCTTTGCAAAATCTGCCTAAAAGGCTAGCTCCATCTGAACAGACACCTA[C>T]CCGGTTTCTGTCTTCAATTGTCAACAGTTCCTCCTCCATGCACTTATCCAAGACGTCTCT-3'

ClinVar aggregate classification (germline): Conflicting classifications of pathogenicity. Review status: criteria provided, conflicting classifications (1 of 4 stars). 2 submissions from 2 submitters: Likely pathogenic (1); Uncertain significance (1). Last evaluated 2024-10-15.

Conditions:
Singleton-Merten syndrome 1 (SGMRT1). Also called: Widened medullary cavities of bone, aortic calcification, abnormal dentition, and muscular weakness; Syndrome of widened medullary cavities of the metacarpals and phalanges, aortic calcification and abnormal dentition. Identifiers: Orphanet 85191, MedGen C4225427, MONDO:0024535, OMIM 182250.
Aicardi-Goutieres syndrome 7 (AGS7). Identifiers: Orphanet 51, MedGen C3888244, MONDO:0014367, OMIM 615846.
Immunodeficiency 95 (IMD95). Identifiers: MedGen C5676929, MONDO:0030692, OMIM 619773.

Allele frequency attached by ClinVar (database versions not stated): gnomAD 0.00001; gnomAD exomes 0.00001; TOPMed 0.00002.

Submissions (2):

Labcorp Genetics (formerly Invitae), Labcorp
Classification: Uncertain significance for Aicardi-Goutieres syndrome 7; Singleton-Merten syndrome 1. Last evaluated: 2024-10-15. Review status: criteria provided, single submitter. Criteria: Invitae Variant Classification Sherloc (09022015). Collection method: clinical testing. Allele origin: germline.
Comment: This sequence change affects a donor splice site in intron 1 of the IFIH1 gene. It is expected to disrupt RNA splicing. Variants that disrupt the donor or acceptor splice site typically lead to a loss of protein function (PMID: 16199547), however the current clinical and genetic evidence is not sufficient to establish whether loss-of-function variants in IFIH1 cause disease. This variant is present in population databases (no rsID available, gnomAD 0.003%). This variant has not been reported in the literature in individuals affected with IFIH1-related conditions. ClinVar contains an entry for this variant (Variation ID: 1516067). Algorithms developed to predict the effect of sequence changes on RNA splicing suggest that this variant may disrupt the consensus splice site. In summary, the available evidence is currently insufficient to determine the role of this variant in disease. Therefore, it has been classified as a Variant of Uncertain Significance.

Fulgent Genetics
Classification: Likely pathogenic for Singleton-Merten syndrome 1; Aicardi-Goutieres syndrome 7; Immunodeficiency 95. Last evaluated: 2024-01-15. Review status: criteria provided, single submitter. Criteria: ACMG Guidelines, 2015. Collection method: clinical testing. Allele origin: germline.

Literature cited by the submitters: PubMed 16199547 (cited by Labcorp Genetics (formerly Invitae), Labcorp).